The following is an entry in ClinVar:

ClinVar aggregate classification (germline): Uncertain significance (1 of 4 stars; one submission).

Conditions:
Atypical hemolytic-uremic syndrome. Identifiers: Orphanet 2134, MedGen C2931788, MONDO:0016244.
Basal laminar drusen. Also called: DRUSEN OF BRUCH MEMBRANE; DRUSEN, CUTICULAR; DRUSEN, EARLY ADULT-ONSET, GROUPED. Identifiers: Orphanet 75376, MedGen C0730295, MONDO:0007472, OMIM 126700.
Factor H deficiency (CFHD). Also called: COMPLEMENT FACTOR H DEFICIENCY; CFH DEFICIENCY. Identifiers: Orphanet 200421, MedGen C0398777, MONDO:0012350, OMIM 609814.
Age related macular degeneration 4. Identifiers: MedGen C1853147, MONDO:0012540, OMIM 610698.

Submission:

Genomenon, Inc
Classification: Uncertain significance for Basal laminar drusen; Age related macular degeneration 4; Atypical hemolytic-uremic syndrome; Factor H deficiency. Last evaluated: 2025-10-02. Review status: criteria provided, single submitter. Criteria: Genomenon Sequence Variant Interpretation Standards - Updated. Collection method: curation. Allele origin: germline. Affected: no.
Comment: CFH p.Phe614Ser (c.1841T>C) is a missense variant that changes the amino acid at residue 614 from Phenylalanine to Serine. This variant has been reported in the published literature (PMID:36211394). It is absent or not present at a significant frequency in gnomAD. In conclusion, we classify CFH p.Phe614Ser (c.1841T>C) as a variant of uncertain significance.

Literature cited by the submitters: PubMed 36211394.

NM_000186.4(CFH):c.1841T>C (p.Phe614Ser)

Gene: CFH (complement factor H; plus strand). Cytogenetic location: 1q31.3.
Variant type: single nucleotide variant.
Coding change: c.1841T>C on transcript NM_000186.4 (MANE Select); coding-DNA position 1841, T replaced by C.
Protein change: p.Phe614Ser; replaces phenylalanine 614 with serine.
Molecular consequence: missense variant.
Genome position (GRCh38, 1-based): chr1:196,725,265, T>C. VCF-style: chr1-196725265-T-C. GRCh37 (hg19) VCF-style: chr1-196694395-T-C.
Other names: short protein forms F614S.
Identifiers: ClinVar variation 4291428 (VCV004291428.1).